The following is an entry in ClinVar:

ClinVar aggregate classification (germline): Likely benign. Review status: criteria provided, multiple submitters, no conflicts (2 of 4 stars). 3 submissions from 3 submitters: Likely benign (3). Last evaluated 2026-05-11.

Conditions:
NLRC4-related disorder. Also called: NLRC4-related condition.
Periodic fever-infantile enterocolitis-autoinflammatory syndrome. Also called: Autoinflammation with infantile enterocolitis. Identifiers: Orphanet 436166, MedGen C4015067, MONDO:0014472, OMIM 616050.
Familial cold autoinflammatory syndrome 4 (FCAS4). Identifiers: Orphanet 47045, Orphanet 576349, MedGen C4015276, MONDO:0014498, OMIM 616115.

Allele frequency attached by ClinVar (database versions not stated): ExAC 0.00001; gnomAD exomes 0.00001 and 0.00003; gnomAD 0.00003 and 0.00004; TOPMed 0.00008.
gnomAD v4.1: 21 of 1,609,934 alleles (0.0013%); highest among the groups gnomAD compares: Admixed American, 0.023%; no homozygotes.

Submissions (3):

PreventionGenetics, part of Exact Sciences
Classification: Likely benign for NLRC4-related condition. Last evaluated: 2026-05-11. Review status: criteria provided, single submitter. Criteria: ACMG Guidelines, 2015. Collection method: clinical testing. Allele origin: germline.
Comment: This variant is classified as likely benign based on ACMG/AMP sequence variant interpretation guidelines (Richards et al. 2015 PMID: 25741868, with internal and published modifications).

Labcorp Genetics (formerly Invitae), Labcorp
Classification: Likely benign for Periodic fever-infantile enterocolitis-autoinflammatory syndrome; Familial cold autoinflammatory syndrome 4. Last evaluated: 2024-10-22. Review status: criteria provided, single submitter. Criteria: Invitae Variant Classification Sherloc (09022015). Collection method: clinical testing. Allele origin: germline.

Fulgent Genetics
Classification: Likely benign for Periodic fever-infantile enterocolitis-autoinflammatory syndrome; Familial cold autoinflammatory syndrome 4. Last evaluated: 2021-10-13. Review status: criteria provided, single submitter. Criteria: ACMG Guidelines, 2015. Collection method: clinical testing. Allele origin: unknown.

NM_001199138.2(NLRC4):c.240A>G (p.Leu80=)

Gene: NLRC4 (NLR family CARD domain containing 4; minus strand). Cytogenetic location: 2p22.3.
Variant type: single nucleotide variant.
Coding change: c.240A>G on transcript NM_001199138.2 (MANE Select); coding-DNA position 240, A replaced by G.
Protein change: p.Leu80=; no amino-acid change (leucine 80 retained).
Molecular consequence: synonymous variant.
Genome position (GRCh38, 1-based): chr2:32,252,441, T>C on the plus strand (A>G on the coding strand, the complement: NLRC4 is on the minus strand). VCF-style: chr2-32252441-T-C. GRCh37 (hg19) VCF-style: chr2-32477510-T-C.
Other names: c.240A>G, p.Leu80= (NM_001199139.2, NM_001302504.2, NM_021209.5).
Identifiers: ClinVar variation 726942 (VCV000726942.11), dbSNP rs752238600, ClinGen allele CA1602195.